The following is an entry in ClinVar:

ClinVar aggregate classification (germline): Uncertain significance (1 of 4 stars; one submission).

Submission:

GeneDx
Classification: Uncertain significance. Last evaluated: 2025-02-13. Review status: criteria provided, single submitter. Criteria: GeneDx Variant Classification Process June 2021. Collection method: clinical testing. Allele origin: germline. Affected: yes.
Comment: Not observed at significant frequency in large population cohorts (gnomAD); In silico analysis supports that this missense variant has a deleterious effect on protein structure/function; Has not been previously published as pathogenic or benign to our knowledge

NM_015057.5(MYCBP2):c.11201G>A (p.Cys3734Tyr)

Genes: MYCBP2 (MYC binding protein 2; minus strand), MYCBP2-AS1 (MYCBP2 antisense RNA 1; plus strand). Cytogenetic location: 13q22.3.
Variant type: single nucleotide variant.
Coding change: c.11201G>A on transcript NM_015057.5 (MANE Select); coding-DNA position 11201, G replaced by A.
Protein change: p.Cys3734Tyr; replaces cysteine 3734 with tyrosine.
Molecular consequence: missense variant.
Genome position (GRCh38, 1-based): chr13:77,081,644, C>T on the plus strand (G>A on the coding strand, the complement: MYCBP2 is on the minus strand). VCF-style: chr13-77081644-C-T. GRCh37 (hg19) VCF-style: chr13-77655779-C-T.
Other names: short protein forms C3734Y.
Identifiers: ClinVar variation 4075581 (VCV004075581.1).